The following is an entry in ClinVar:

NM_002796.3(PSMB4):c.49G>A (p.Ala17Thr)

Gene: PSMB4 (proteasome 20S subunit beta 4; plus strand). Cytogenetic location: 1q21.3.
Variant type: single nucleotide variant.
Coding change: c.49G>A on transcript NM_002796.3 (MANE Select); coding-DNA position 49, G replaced by A.
Protein change: p.Ala17Thr; replaces alanine 17 with threonine.
Molecular consequence: missense variant.
Genome position (GRCh38, 1-based): chr1:151,399,636, G>A. VCF-style: chr1-151399636-G-A. GRCh37 (hg19) VCF-style: chr1-151372112-G-A.
Other names: short protein forms A17T.
Identifiers: ClinVar variation 3683903 (VCV003683903.2).
Genomic context (GRCh38, chr1:151,399,636, plus strand): 5'-ACCGTGACTAAGATGGAAGCGTTTTTGGGGTCGCGGTCCGGACTTTGGGCGGGGGGTCCG[G>A]CCCCAGGACAGTTTTACCGCATTCCGTCCACTCCCGATTCCTTCATGGATCCGGCGTCTG-3'
Protein context (NP_002787.2, residues 7-27): SRSGLWAGGP[Ala17Thr]PGQFYRIPST

ClinVar aggregate classification (germline): Uncertain significance (1 of 4 stars; one submission).

Submission:

Labcorp Genetics (formerly Invitae), Labcorp
Classification: Uncertain significance. Last evaluated: 2025-03-18. Review status: criteria provided, single submitter. Criteria: Invitae Variant Classification Sherloc (09022015). Collection method: clinical testing. Allele origin: germline.
Comment: This sequence change replaces alanine, which is neutral and non-polar, with threonine, which is neutral and polar, at codon 17 of the PSMB4 protein (p.Ala17Thr). This variant is not present in population databases (gnomAD no frequency). This variant has not been reported in the literature in individuals affected with PSMB4-related conditions. An algorithm developed to predict the effect of missense changes on protein structure and function outputs the following: PolyPhen-2: "Benign". The threonine amino acid residue is found in multiple mammalian species, which suggests that this missense change does not adversely affect protein function. In summary, the available evidence is currently insufficient to determine the role of this variant in disease. Therefore, it has been classified as a Variant of Uncertain Significance.